The following is an entry in ClinVar:

ClinVar aggregate classification (germline): Uncertain significance (1 of 4 stars; one submission).

Conditions:
Wilms tumor 1 (WT1). Also called: Wilms tumor, somatic. Identifiers: Orphanet 654, MedGen CN033288, MONDO:0008679, OMIM 194070.

Submission:

All of Us Research Program, National Institutes of Health
Classification: Uncertain significance for Wilms tumor 1. Last evaluated: 2023-03-04. Review status: criteria provided, single submitter. Criteria: ACMG Guidelines, 2015. Collection method: clinical testing. Allele origin: germline. Inheritance: Autosomal dominant inheritance. Observed: 1 variant allele, 1 heterozygote.
Comment: This study involves interpretation of variants in research participants for the purpose of population health screening. Participant phenotype was not available at the time of variant classification. Additional details can be found in publication PMID: 35346344, PMCID: PMC8962531

NM_024426.6(WT1):c.287_288insGGA (p.Gly96_Cys97insAsp)

Genes: WT1 (WT1 transcription factor; minus strand), LOC107982234 (WT1/WT1-AS bi-directional promoter region; plus strand). Cytogenetic location: 11p13.
Variant type: Insertion.
Coding change: c.287_288insGGA on transcript NM_024426.6 (MANE Select); coding-DNA positions 287 to 288, GGA inserted.
Protein change: p.Gly96_Cys97insAsp.
Molecular consequence: inframe insertion. On other transcripts: inframe indel (5), non-coding transcript variant (2).
Genome position: GRCh38 VCF-style: chr11-32435073-G-GTCC. GRCh37 (hg19) VCF-style: chr11-32456619-G-GTCC.
Other names: c.287_288insGGA, p.Gly96_Cys97insAsp (NM_000378.6, NM_001407044.1, NM_001407045.1 and 6 more transcripts); c.68_69insGGA, p.Gly23_Cys24insAsp (NM_001429031.1, NM_001429032.1, NM_001429033.1 and 1 more transcripts); c.272_273insGGA, p.Gly91_Cys92insAsp (NM_024425.2).
Identifiers: ClinVar variation 3069445 (VCV003069445.1), dbSNP rs2494484442, ClinGen allele CA2825001877.